The following is an entry in ClinVar:

NM_005120.3(MED12):c.3508C>T (p.Arg1170Trp)

Gene: MED12 (mediator complex subunit 12; plus strand). Cytogenetic location: Xq13.1.
Variant type: single nucleotide variant.
Coding change: c.3508C>T on transcript NM_005120.3 (MANE Select); coding-DNA position 3508, C replaced by T.
Protein change: p.Arg1170Trp; replaces arginine 1170 with tryptophan.
Molecular consequence: missense variant.
Genome position (GRCh38, 1-based): chrX:71,129,146, C>T. VCF-style: chrX-71129146-C-T. GRCh37 (hg19) VCF-style: chrX-70348996-C-T.
Other names: short protein forms R1170W.
Identifiers: ClinVar variation 1035753 (VCV001035753.9), dbSNP rs1389138246, ClinGen allele CA413519691.

ClinVar aggregate classification (germline): Uncertain significance (1 of 4 stars; one submission).

Conditions:
FG syndrome (FGS). Identifiers: MedGen C0220769, MONDO:0002010.

Allele frequency attached by ClinVar (database versions not stated): gnomAD exomes below 0.00001; TOPMed below 0.00001.
gnomAD v4.1: 2 of 1,210,765 alleles (0.00017%); highest among the groups gnomAD compares: Non-Finnish European, 0.00022%; no homozygotes.

Submission:

Labcorp Genetics (formerly Invitae), Labcorp
Classification: Uncertain significance for FG syndrome. Last evaluated: 2020-09-03. Review status: criteria provided, single submitter. Criteria: Invitae Variant Classification Sherloc (09022015). Collection method: clinical testing. Allele origin: germline.
Comment: Advanced modeling of protein sequence and biophysical properties (such as structural, functional, and spatial information, amino acid conservation, physicochemical variation, residue mobility, and thermodynamic stability) performed at Invitae indicates that this missense variant is expected to disrupt MED12 protein function. This variant has not been reported in the literature in individuals with MED12-related conditions. This variant is not present in population databases (ExAC no frequency). This sequence change replaces arginine with tryptophan at codon 1170 of the MED12 protein (p.Arg1170Trp). The arginine residue is highly conserved and there is a moderate physicochemical difference between arginine and tryptophan. In summary, the available evidence is currently insufficient to determine the role of this variant in disease. Therefore, it has been classified as a Variant of Uncertain Significance.